The following is an entry in ClinVar:

ClinVar aggregate classification (germline): Likely benign. Review status: criteria provided, multiple submitters, no conflicts (2 of 4 stars). 2 submissions from 2 submitters: Likely benign (2). Last evaluated 2025-06-01.

Conditions:
Fanconi anemia (FA). Also called: Fanconi's anemia. Identifiers: Orphanet 84, MedGen C0015625, MeSH D005199, MONDO:0019391.

gnomAD v4.1: 1 of 1,611,804 alleles (0.000062%); no homozygotes.

Submissions (2):

CeGaT Center for Human Genetics Tuebingen
Classification: Likely benign. Last evaluated: 2025-06-01. Review status: criteria provided, single submitter. Criteria: CeGaT Center For Human Genetics Tuebingen Variant Classification Criteria Version 2. Collection method: clinical testing. Allele origin: germline. Affected: yes. Observed: 1 variant allele.
Comment: FANCA: BP4, BP7

Labcorp Genetics (formerly Invitae), Labcorp
Classification: Likely benign for Fanconi anemia. Last evaluated: 2023-07-16. Review status: criteria provided, single submitter. Criteria: Invitae Variant Classification Sherloc (09022015). Collection method: clinical testing. Allele origin: germline.

NM_000135.4(FANCA):c.495C>G (p.Ser165=)

Gene: FANCA (FA complementation group A; minus strand). Cytogenetic location: 16q24.3.
Variant type: single nucleotide variant.
Coding change: c.495C>G on transcript NM_000135.4 (MANE Select); coding-DNA position 495, C replaced by G.
Protein change: p.Ser165=; no amino-acid change (serine 165 retained).
Molecular consequence: synonymous variant. On other transcripts: intron variant (1).
Genome position (GRCh38, 1-based): chr16:89,810,734, G>C on the plus strand (C>G on the coding strand, the complement: FANCA is on the minus strand). VCF-style: chr16-89810734-G-C. GRCh37 (hg19) VCF-style: chr16-89877142-G-C.
Other names: c.495C>G, p.Ser165= (NM_001286167.3, NM_001018112.3); c.426+195C>G (NM_001351830.2).
Identifiers: ClinVar variation 2977293 (VCV002977293.11), dbSNP rs1372581483, ClinGen allele CA497379588.